The following is an entry in ClinVar:

ClinVar aggregate classification (germline): Likely benign. Review status: criteria provided, single submitter (1 of 4 stars). 2 submissions from 2 submitters: Likely benign (1). 1 of the submissions does not count toward it. Last evaluated 2021-09-29.

Conditions:
Niemann-Pick disease, type C1. Also called: NIEMANN-PICK DISEASE, VARIANT TYPE C1; NEUROVISCERAL STORAGE DISEASE WITH VERTICAL SUPRANUCLEAR OPHTHALMOPLEGIA; NIEMANN-PICK DISEASE WITH CHOLESTEROL ESTERIFICATION BLOCK; NIEMANN-PICK DISEASE WITHOUT SPHINGOMYELINASE DEFICIENCY; NIEMANN-PICK DISEASE, CHRONIC NEURONOPATHIC FORM. Identifiers: Orphanet 646, MedGen C3179455, MONDO:0009757, OMIM 257220.
NPC1-related disorder. Also called: NPC1-related condition.

Submissions (2):

Labcorp Genetics (formerly Invitae), Labcorp
Classification: Likely benign for Niemann-Pick disease, type C1. Last evaluated: 2021-09-29. Review status: criteria provided, single submitter. Criteria: Invitae Variant Classification Sherloc (09022015). Collection method: clinical testing. Allele origin: germline.

PreventionGenetics, part of Exact Sciences
Classification: Likely benign for NPC1-related condition. Last evaluated: 2021-01-14. Review status: no assertion criteria provided. Collection method: clinical testing. Allele origin: germline. Not counted in ClinVar's aggregate classification.
Comment: This variant is classified as likely benign based on ACMG/AMP sequence variant interpretation guidelines (Richards et al. 2015 PMID: 25741868, with internal and published modifications).

NM_000271.5(NPC1):c.1947+7_1947+8insCG

Gene: NPC1 (NPC intracellular cholesterol transporter 1; minus strand). Cytogenetic location: 18q11.2.
Variant type: Insertion.
Coding change: c.1947+7_1947+8insCG on transcript NM_000271.5 (MANE Select); bases 7 to 8 of the intron after coding-DNA position 1947, CG inserted.
Molecular consequence: intron variant.
Genome position: GRCh38 VCF-style: chr18-23544952-C-CCG. GRCh37 (hg19) VCF-style: chr18-21124916-C-CCG.
Other names: c.1947+7_1947+8insCG (NM_000271.4).
Identifiers: ClinVar variation 1574628 (VCV001574628.10), dbSNP rs1555634618, ClinGen allele CA8913331.
Genomic context (GRCh38, chr18:23,544,952, plus strand): 5'-AAAAATATGACGTTACACTGTGCACTGCTGTTAACCTCTAGAACATACACCACCCCCCCC[C>CCG]GGCTTACCAGAAGCCTGCGACAGCTTTTCATGTGCCCCAAGGCTAGGGAAATATATAGAA-3'